The following is an entry in ClinVar:

ClinVar aggregate classification (germline): Benign/Likely benign. Review status: criteria provided, multiple submitters, no conflicts (2 of 4 stars). 8 submissions from 7 submitters: Benign (6); Likely benign (2). Last evaluated 2026-09-01.

Conditions:
Intellectual developmental disorder with gastrointestinal difficulties and high pain threshold (JDVS). Also called: JANSEN-DE VRIES SYNDROME. Identifiers: Orphanet 653767, MedGen C4479517, MONDO:0044318, OMIM 617450.
Familial cancer of breast. Also called: Hereditary breast cancer; BREAST CANCER, FAMILIAL; hereditary breast carcinoma. Identifiers: Orphanet 227535, MedGen C0346153, MONDO:0016419, OMIM 114480. Disease mechanism: loss of function.

Allele frequency attached by ClinVar (database versions not stated): 1000 Genomes Project 30x 0.00219; 1000 Genomes Project 0.00240; ExAC 0.00424; gnomAD exomes 0.00437 and 0.00688; ESP Exome Variant Server 0.00447; gnomAD 0.00471 and 0.00475; TOPMed 0.00482.
gnomAD v4.1: 10,745 of 1,613,090 alleles (0.67%); highest among the groups gnomAD compares: Middle Eastern, 2.5%; 51 homozygotes.

Submissions (8):

CeGaT Center for Human Genetics Tuebingen
Classification: Benign. Last evaluated: 2026-09-01. Review status: criteria provided, single submitter. Criteria: CeGaT Center For Human Genetics Tuebingen Variant Classification Criteria Version 2. Collection method: clinical testing. Allele origin: germline. Affected: yes. Observed: 35 variant alleles.
Comment: PPM1D: BP4, BS1, BS2

Labcorp Genetics (formerly Invitae), Labcorp
Classification: Benign. Last evaluated: 2026-02-01. Review status: criteria provided, single submitter. Criteria: Invitae Variant Classification Sherloc (09022015). Collection method: clinical testing. Allele origin: germline.

KCCC/NGS Laboratory, Kuwait Cancer Control Center
Classification: Benign for Intellectual developmental disorder with gastrointestinal difficulties and high pain threshold. Last evaluated: 2025-02-01. Review status: criteria provided, single submitter. Criteria: ACMG Guidelines, 2015. Collection method: clinical testing. Allele origin: germline. Affected: no.

Blueprint Genetics
Classification: Likely benign. Last evaluated: 2024-11-28. Review status: criteria provided, single submitter. Criteria: ACMG Guidelines, 2015. Collection method: clinical testing. Allele origin: germline.

KCCC/NGS Laboratory, Kuwait Cancer Control Center
Classification: Benign for Familial cancer of breast. Last evaluated: 2023-07-07. Review status: criteria provided, single submitter. Criteria: ACMG Guidelines, 2015. Collection method: clinical testing. Allele origin: germline. Affected: yes.

Fulgent Genetics
Classification: Likely benign for Familial cancer of breast; Intellectual developmental disorder with gastrointestinal difficulties and high pain threshold. Last evaluated: 2021-08-10. Review status: criteria provided, single submitter. Criteria: ACMG Guidelines, 2015. Collection method: clinical testing. Allele origin: unknown.

Breakthrough Genomics
Classification: Benign. Review status: criteria provided, single submitter. Criteria: ACMG Guidelines, 2015. Collection method: not provided. Allele origin: germline. Inheritance: Autosomal dominant inheritance. Affected: yes.

PreventionGenetics, part of Exact Sciences
Classification: Benign. Review status: criteria provided, single submitter. Criteria: ACMG Guidelines, 2015. Collection method: clinical testing. Allele origin: germline.

NM_003620.4(PPM1D):c.456C>T (p.Ala152=)

Gene: PPM1D (protein phosphatase, Mg2+/Mn2+ dependent 1D; plus strand). Cytogenetic location: 17q23.2.
Variant type: single nucleotide variant.
Coding change: c.456C>T on transcript NM_003620.4 (MANE Select); coding-DNA position 456, C replaced by T.
Protein change: p.Ala152=; no amino-acid change (alanine 152 retained).
Molecular consequence: synonymous variant.
Genome position (GRCh38, 1-based): chr17:60,600,870, C>T. VCF-style: chr17-60600870-C-T. GRCh37 (hg19) VCF-style: chr17-58678231-C-T.
Identifiers: ClinVar variation 259103 (VCV000259103.39), dbSNP rs149400522, ClinGen allele CA8687571.